The following is an entry in ClinVar:

NM_003482.4(KMT2D):c.6880dup (p.Ala2294fs)

Gene: KMT2D (lysine methyltransferase 2D; minus strand). Cytogenetic location: 12q13.12.
Variant type: Duplication.
Coding change: c.6880dup on transcript NM_003482.4 (MANE Select); coding-DNA position 6880, one base duplicated (G; older notation c.6880dupG).
Protein change: p.Ala2294fs; shifts the reading frame from alanine 2294.
Molecular consequence: frameshift variant.
Genome position (GRCh38, 1-based): chr12:49,040,890, C duplicated on the plus strand (G on the coding strand, the reverse complement: KMT2D is on the minus strand); the first of 4 consecutive C bases (chr12:49,040,890-49,040,893); duplicating any one gives the same sequence. VCF-style (leftmost placement, unchanged base first): chr12-49040889-G-GC. GRCh37 (hg19) VCF-style: chr12-49434672-G-GC.
Other names: short protein forms A2294fs.
Identifiers: ClinVar variation 2857435 (VCV002857435.3), dbSNP rs2498400320, ClinGen allele CA2739272023.
Genomic context (GRCh38, chr12:49,040,889, plus strand): 5'-GTGCCTGAGGAGGGTGAGTCAACAAAGCCCAGGTTTGGGGGCCCATAGCTAGGAGAGGAT[G>GC]CCCCAAGCTCTTCCTTCTTCACCTCTAGGGCCTTCCGGGACTCCCCAAAAGGTGGGGGCG-3'

ClinVar aggregate classification (germline): Pathogenic (1 of 4 stars; one submission).

Conditions:
Kabuki syndrome. Also called: Kabuki make-up syndrome; NIIKAWA-KUROKI SYNDROME. Identifiers: Orphanet 2322, MedGen C0796004, MONDO:0016512.

Submission:

Labcorp Genetics (formerly Invitae), Labcorp
Classification: Pathogenic for Kabuki syndrome. Last evaluated: 2023-04-18. Review status: criteria provided, single submitter. Criteria: Invitae Variant Classification Sherloc (09022015). Collection method: clinical testing. Allele origin: germline.
Comment: For these reasons, this variant has been classified as Pathogenic. This variant has not been reported in the literature in individuals affected with KMT2D-related conditions. This variant is not present in population databases (gnomAD no frequency). This sequence change creates a premature translational stop signal (p.Ala2294Glyfs*5) in the KMT2D gene. It is expected to result in an absent or disrupted protein product. Loss-of-function variants in KMT2D are known to be pathogenic (PMID: 22126750).

Literature cited by the submitters: PubMed 22126750.